The following is an entry in ClinVar:

ClinVar aggregate classification (germline): Uncertain significance. Review status: criteria provided, multiple submitters, no conflicts (2 of 4 stars). 2 submissions from 2 submitters: Uncertain significance (2). Last evaluated 2025-06-02.

Conditions:
Multiple mitochondrial dysfunctions syndrome 3 (MMDS3). Identifiers: Orphanet 363424, MedGen C3809165, MONDO:0014132, OMIM 615330.
Hereditary spastic paraplegia 74. Also called: Spastic paraplegia 74, autosomal recessive. Identifiers: Orphanet 468661, MedGen C5568837, MONDO:0014644, OMIM 616451.

Allele frequency attached by ClinVar (database versions not stated): TOPMed 0.00002.

Submissions (2):

3billion
Classification: Uncertain significance for Multiple mitochondrial dysfunctions syndrome 3. Last evaluated: 2025-06-02. Review status: criteria provided, single submitter. Criteria: ACMG Guidelines, 2015. Collection method: clinical testing. Allele origin: germline. Affected: yes.
Comment: The variant is not observed in the gnomAD v4.1.0 dataset. Predicted Consequence/Location: Missense variant In silico tool predictions suggest damaging effect of the variant on gene or gene product [REVEL: 0.77 (>=0.6, sensitivity 0.68 and specificity 0.92); 3Cnet: 0.93 (> 0.75, sensitivity 0.96 and precision 0.92)]. The variant has been reported as of uncertain significance (ClinVar ID: VCV001918051). Therefore, this variant is classified as VUS according to the recommendation of ACMG/AMP guideline.

Labcorp Genetics (formerly Invitae), Labcorp
Classification: Uncertain significance for Multiple mitochondrial dysfunctions syndrome 3; Hereditary spastic paraplegia 74. Last evaluated: 2022-10-28. Review status: criteria provided, single submitter. Criteria: Invitae Variant Classification Sherloc (09022015). Collection method: clinical testing. Allele origin: germline.
Comment: In summary, the available evidence is currently insufficient to determine the role of this variant in disease. Therefore, it has been classified as a Variant of Uncertain Significance. Advanced modeling of protein sequence and biophysical properties (such as structural, functional, and spatial information, amino acid conservation, physicochemical variation, residue mobility, and thermodynamic stability) has been performed at Invitae for this missense variant, however the output from this modeling did not meet the statistical confidence thresholds required to predict the impact of this variant on IBA57 protein function. This variant has not been reported in the literature in individuals affected with IBA57-related conditions. This variant is not present in population databases (gnomAD no frequency). This sequence change replaces leucine, which is neutral and non-polar, with phenylalanine, which is neutral and non-polar, at codon 107 of the IBA57 protein (p.Leu107Phe).

NM_001010867.4(IBA57):c.319C>T (p.Leu107Phe)

Gene: IBA57 (iron-sulfur cluster assembly factor IBA57; plus strand). Cytogenetic location: 1q42.13.
Variant type: single nucleotide variant.
Coding change: c.319C>T on transcript NM_001010867.4 (MANE Select); coding-DNA position 319, C replaced by T.
Protein change: p.Leu107Phe; replaces leucine 107 with phenylalanine.
Molecular consequence: missense variant.
Genome position (GRCh38, 1-based): chr1:228,166,135, C>T. VCF-style: chr1-228166135-C-T. GRCh37 (hg19) VCF-style: chr1-228353836-C-T.
Other names: short protein forms L107F.
Identifiers: ClinVar variation 1918051 (VCV001918051.6), dbSNP rs914514776, ClinGen allele CA38736641.